The following is an entry in ClinVar:

ClinVar aggregate classification (germline): Uncertain significance. Review status: criteria provided, multiple submitters, no conflicts (2 of 4 stars). 2 submissions from 2 submitters: Uncertain significance (2). Last evaluated 2024-01-16.

Conditions:
Inborn genetic diseases. Identifiers: MedGen C0950123, MeSH D030342.

gnomAD v4.1: 40 of 1,614,132 alleles (0.0025%); highest among the groups gnomAD compares: South Asian, 0.019%; no homozygotes.

Submissions (2):

Labcorp Genetics (formerly Invitae), Labcorp
Classification: Uncertain significance. Last evaluated: 2024-01-16. Review status: criteria provided, single submitter. Criteria: Invitae Variant Classification Sherloc (09022015). Collection method: clinical testing. Allele origin: germline.
Comment: This sequence change replaces arginine, which is basic and polar, with histidine, which is basic and polar, at codon 2106 of the NBAS protein (p.Arg2106His). This variant is present in population databases (rs775551690, gnomAD 0.02%). This variant has not been reported in the literature in individuals affected with NBAS-related conditions. ClinVar contains an entry for this variant (Variation ID: 1440027). Advanced modeling of protein sequence and biophysical properties (such as structural, functional, and spatial information, amino acid conservation, physicochemical variation, residue mobility, and thermodynamic stability) has been performed at Invitae for this missense variant, however the output from this modeling did not meet the statistical confidence thresholds required to predict the impact of this variant on NBAS protein function. In summary, the available evidence is currently insufficient to determine the role of this variant in disease. Therefore, it has been classified as a Variant of Uncertain Significance.

Ambry Genetics
Classification: Uncertain significance for Inborn genetic diseases. Last evaluated: 2021-07-20. Review status: criteria provided, single submitter. Criteria: Ambry Variant Classification Scheme 2023. Collection method: clinical testing. Allele origin: germline.

NM_015909.4(NBAS):c.6317G>A (p.Arg2106His)

Gene: NBAS (NBAS subunit of NRZ tethering complex; minus strand). Cytogenetic location: 2p24.3.
Variant type: single nucleotide variant.
Coding change: c.6317G>A on transcript NM_015909.4 (MANE Select); coding-DNA position 6317, G replaced by A.
Protein change: p.Arg2106His; replaces arginine 2106 with histidine.
Molecular consequence: missense variant.
Genome position (GRCh38, 1-based): chr2:15,218,888, C>T on the plus strand (G>A on the coding strand, the complement: NBAS is on the minus strand). VCF-style: chr2-15218888-C-T. GRCh37 (hg19) VCF-style: chr2-15359012-C-T.
Other names: c.6317G>A (NM_015909.2); short protein forms R2106H.
Identifiers: ClinVar variation 1440027 (VCV001440027.5), dbSNP rs775551690, ClinGen allele CA1535039.